The following is an entry in ClinVar:

NM_032119.4(ADGRV1):c.6925G>A (p.Ala2309Thr)

Gene: ADGRV1 (adhesion G protein-coupled receptor V1; plus strand). Cytogenetic location: 5q14.3.
Variant type: single nucleotide variant.
Coding change: c.6925G>A on transcript NM_032119.4 (MANE Select); coding-DNA position 6925, G replaced by A.
Protein change: p.Ala2309Thr; replaces alanine 2309 with threonine.
Molecular consequence: missense variant.
Genome position (GRCh38, 1-based): chr5:90,691,015, G>A. VCF-style: chr5-90691015-G-A. GRCh37 (hg19) VCF-style: chr5-89986832-G-A.
Other names: short protein forms A2309T.
Identifiers: ClinVar variation 929872 (VCV000929872.15), dbSNP rs201528839, ClinGen allele CA3339898.

ClinVar aggregate classification (germline): Benign/Likely benign. Review status: criteria provided, multiple submitters, no conflicts (2 of 4 stars). 3 submissions from 3 submitters: Benign (1); Likely benign (2). Last evaluated 2026-01-04.

Allele frequency attached by ClinVar (database versions not stated): gnomAD exomes 0.00008 and 0.00017; gnomAD 0.00009; TOPMed 0.00009; ExAC 0.00017; ESP Exome Variant Server 0.00025.
gnomAD v4.1: 135 of 1,613,542 alleles (0.0084%); highest among the groups gnomAD compares: Middle Eastern, 0.033%; no homozygotes.

Submissions (3):

Labcorp Genetics (formerly Invitae), Labcorp
Classification: Likely benign. Last evaluated: 2026-01-04. Review status: criteria provided, single submitter. Criteria: Invitae Variant Classification Sherloc (09022015). Collection method: clinical testing. Allele origin: germline.

Blueprint Genetics
Classification: Benign. Last evaluated: 2024-09-11. Review status: criteria provided, single submitter. Criteria: ACMG Guidelines, 2015. Collection method: clinical testing. Allele origin: germline.

Laboratory for Molecular Medicine, Mass General Brigham Personalized Medicine
Classification: Likely benign. Last evaluated: 2019-10-08. Review status: criteria provided, single submitter. Criteria: LMM Criteria. Collection method: clinical testing. Allele origin: germline. Observed: 1 variant allele.
Comment: The p.Ala2309Thr variant in ADGRV1 is classified as likely benign because it has been identified in 0.3% (36/10350) of Ashkenazi Jewish chromosomes by gnomAD. ACMG/AMP Criteria applied: BS1.